The following is an entry in ClinVar:

NM_005901.6(SMAD2):c.55A>G (p.Lys19Glu)

Gene: SMAD2 (SMAD family member 2; minus strand). Cytogenetic location: 18q21.1.
Variant type: single nucleotide variant.
Coding change: c.55A>G on transcript NM_005901.6 (MANE Select); coding-DNA position 55, A replaced by G.
Protein change: p.Lys19Glu; replaces lysine 19 with glutamic acid.
Molecular consequence: missense variant.
Genome position (GRCh38, 1-based): chr18:47,896,702, T>C on the plus strand (A>G on the coding strand, the complement: SMAD2 is on the minus strand). VCF-style: chr18-47896702-T-C. GRCh37 (hg19) VCF-style: chr18-45423073-T-C.
Other names: c.55A>G, p.Lys19Glu (NM_001003652.4, NM_001135937.3); short protein forms K19E.
Identifiers: ClinVar variation 1504710 (VCV001504710.6), dbSNP rs2144475139, ClinGen allele CA402503536.

ClinVar aggregate classification (germline): Uncertain significance (1 of 4 stars; one submission).

Submission:

Labcorp Genetics (formerly Invitae), Labcorp
Classification: Uncertain significance. Last evaluated: 2021-07-30. Review status: criteria provided, single submitter. Criteria: Invitae Variant Classification Sherloc (09022015). Collection method: clinical testing. Allele origin: germline.
Comment: In summary, the available evidence is currently insufficient to determine the role of this variant in disease. Therefore, it has been classified as a Variant of Uncertain Significance. Advanced modeling of protein sequence and biophysical properties (such as structural, functional, and spatial information, amino acid conservation, physicochemical variation, residue mobility, and thermodynamic stability) performed at Invitae indicates that this missense variant is not expected to disrupt SMAD2 protein function. This variant has not been reported in the literature in individuals affected with SMAD2-related conditions. This variant is not present in population databases (ExAC no frequency). This sequence change replaces lysine with glutamic acid at codon 19 of the SMAD2 protein (p.Lys19Glu). The lysine residue is highly conserved and there is a small physicochemical difference between lysine and glutamic acid.